The following is an entry in ClinVar:

NM_024592.5(SRD5A3):c.603G>A (p.Trp201Ter)

Genes: SRD5A3-AS1 (SRD5A3 antisense RNA 1; minus strand), SRD5A3 (steroid 5 alpha-reductase 3; plus strand). Cytogenetic location: 4q12.
Variant type: single nucleotide variant.
Coding change: c.603G>A on transcript NM_024592.5 (MANE Select); coding-DNA position 603, G replaced by A.
Protein change: p.Trp201Ter; replaces tryptophan 201 with a stop codon.
Molecular consequence: nonsense.
Genome position (GRCh38, 1-based): chr4:55,367,628, G>A. VCF-style: chr4-55367628-G-A. GRCh37 (hg19) VCF-style: chr4-56233795-G-A.
Other names: short protein forms W201*.
Identifiers: ClinVar variation 197351 (VCV000197351.13), dbSNP rs765191836, ClinGen allele CA275264.

ClinVar aggregate classification (germline): Pathogenic. Review status: criteria provided, multiple submitters, no conflicts (2 of 4 stars). 4 submissions from 4 submitters: Pathogenic (3). 1 of the submissions does not count toward it. Last evaluated 2024-09-26.

Conditions:
Inborn genetic diseases. Identifiers: MedGen C0950123, MeSH D030342.
Congenital disorder of glycosylation (CDG). Also called: Carbohydrate-deficient glycoprotein syndrome; Congenital disorders of glycosylation. Identifiers: Orphanet 137, MedGen C0282577, MONDO:0015286.

Allele frequency attached by ClinVar (database versions not stated): gnomAD exomes below 0.00001; gnomAD 0.00001; TOPMed 0.00007.
gnomAD v4.1: 4 of 1,613,996 alleles (0.00025%); highest among the groups gnomAD compares: Admixed American, 0.0033%; no homozygotes.

Submissions (4):

GeneDx
Classification: Pathogenic. Last evaluated: 2024-09-26. Review status: criteria provided, single submitter. Criteria: GeneDx Variant Classification Process June 2021. Collection method: clinical testing. Allele origin: germline. Affected: yes.
Comment: Nonsense variant predicted to result in protein truncation or nonsense mediated decay in a gene for which loss-of-function is a known mechanism of disease; Not observed at significant frequency in large population cohorts (gnomAD); This variant is associated with the following publications: (PMID: 28253385, 24433453, 31638560, 20700148, 20852264, 20637498, 26219881, 27480077)

Ambry Genetics
Classification: Pathogenic for Inborn genetic diseases. Last evaluated: 2017-06-07. Review status: criteria provided, single submitter. Criteria: Ambry exome assertion method (8-5-2015). Collection method: clinical testing. Allele origin: germline. Affected: yes. Observed: 1 variant allele.

Eurofins Ntd Llc (ga)
Classification: Pathogenic. Last evaluated: 2014-11-19. Review status: criteria provided, single submitter. Criteria: EGL Classification Definitions 2015. Collection method: clinical testing. Allele origin: germline. Observed: 1 variant allele, 1 homozygote.

University of Washington Center for Mendelian Genomics, University of Washington
Classification: Likely pathogenic for Congenital Disorder of Glycosylation. Last evaluated: 2016-07-08. Review status: no assertion criteria provided. Collection method: research. Allele origin: unknown. Affected: yes. Observed: 2 homozygotes. Not counted in ClinVar's aggregate classification.

Literature cited by the submitters: PubMed 27480077 (cited by Ambry Genetics and University of Washington Center for Mendelian Genomics, University of Washington).